The following continues an entry in ClinVar:

NM_000023.4(SGCA):c.229C>T (p.Arg77Cys)

Gene: SGCA. ClinVar aggregate classification (germline): Pathogenic. Pathogenic (1).

Submissions 11 to 25 of 34:

Blueprint Genetics
Classification: Pathogenic for SGCA-related disorders. Last evaluated: 2024-08-12. Review status: criteria provided, single submitter. Criteria: ACMG Guidelines, 2015. Collection method: clinical testing. Allele origin: germline. Affected: yes. Observed: 5 variant alleles. Not counted in ClinVar's aggregate classification.

Athena Diagnostics
Classification: Pathogenic. Last evaluated: 2024-03-26. Review status: criteria provided, single submitter. Criteria: Athena Diagnostics Criteria. Collection method: clinical testing. Allele origin: unknown. Not counted in ClinVar's aggregate classification.
Comment: The frequency of this variant in the general population is consistent with pathogenicity (Genome Aggregation Database (gnomAD), Cambridge, MA (URL)). In multiple individuals with LGMD, this variant has been seen with a single recessive pathogenic variant in the same gene. Assessment of experimental evidence suggests this variant results in abnormal protein function. (PMID: 16787395, 18252745)

Women's Health and Genetics/Laboratory Corporation of America, LabCorp
Classification: Pathogenic for Autosomal recessive limb-girdle muscular dystrophy. Last evaluated: 2024-01-12. Review status: criteria provided, single submitter. Criteria: LabCorp Variant Classification Summary - May 2015. Collection method: clinical testing. Allele origin: germline. Not counted in ClinVar's aggregate classification.
Comment: Variant summary: SGCA c.229C>T (p.Arg77Cys) results in a non-conservative amino acid change in the encoded protein sequence. Five of five in-silico tools predict a damaging effect of the variant on protein function. The variant allele was found at a frequency of 0.00046 in 250208 control chromosomes. This frequency is not significantly higher than estimated for a pathogenic variant in SGCA causing Limb-Girdle Muscular Dystrophy, Autosomal Recessive (0.00046 vs 0.002), allowing no conclusion about variant significance. c.229C>T has been reported in the literature in multiple individuals affected with Limb-Girdle Muscular Dystrophy, Autosomal Recessive and has shown to co-segregate with disease in multiple families (examples, Moreira_2003, Tetreault_2011, Vainzof_1999). These data indicate that the variant is very likely to be associated with disease. At least one publication reports experimental evidence evaluating an impact on protein function. The most pronounced variant effect results in about 20% of SGCA levels of WT in HER911 cells (Carotti_2018). The following publications have been ascertained in the context of this evaluation (PMID: 29351619, 12566530, 21856579, 10385046). ClinVar contains an entry for this variant (Variation ID: 9437, PATH). Based on the evidence outlined above, the variant was classified as pathogenic.

Fulgent Genetics
Classification: Pathogenic for Autosomal recessive limb-girdle muscular dystrophy type 2D. Last evaluated: 2023-12-21. Review status: criteria provided, single submitter. Criteria: ACMG Guidelines, 2015. Collection method: clinical testing. Allele origin: germline. Not counted in ClinVar's aggregate classification.

3billion
Classification: Pathogenic for Autosomal recessive limb-girdle muscular dystrophy type 2D. Last evaluated: 2023-08-04. Review status: criteria provided, single submitter. Criteria: ACMG Guidelines, 2015. Collection method: clinical testing. Allele origin: germline. Affected: yes. Not counted in ClinVar's aggregate classification.
Comment: The variant is observed at an extremely low frequency in the gnomAD v2.1.1 dataset (total allele frequency: 0.046%). Predicted Consequence/Location: Missense variant Functional studies provide strong evidence of the variant having a damaging effect on the gene or gene product (PMID: 16787395, 18252745, 22095924). In silico tool predictions suggest damaging effect of the variant on gene or gene product (REVEL: 0.95; 3Cnet: 1.00). Same nucleotide change resulting in same amino acid change has been previously reported as pathogenic/likely pathogenic with strong evidence (ClinVar ID: VCV000009437 /PMID: 8528203). Therefore, this variant is classified as Pathogenic according to the recommendation of ACMG/AMP guideline.

Genome-Nilou Lab
Classification: Pathogenic for Autosomal recessive limb-girdle muscular dystrophy type 2D. Last evaluated: 2023-02-08. Review status: criteria provided, single submitter. Criteria: ACMG Guidelines, 2015. Collection method: clinical testing. Allele origin: germline. Not counted in ClinVar's aggregate classification.

Department of Pathology and Laboratory Medicine, Sinai Health System
Classification: Pathogenic for Autosomal recessive limb-girdle muscular dystrophy type 2D. Last evaluated: 2022-10-06. Review status: criteria provided, single submitter. Criteria: ACMG Guidelines, 2015. Collection method: research. Allele origin: germline. Not counted in ClinVar's aggregate classification.

Clinical Genetics Laboratory, Skane University Hospital Lund
Classification: Pathogenic. Last evaluated: 2022-05-30. Review status: criteria provided, single submitter. Criteria: ACMG Guidelines, 2015. Collection method: clinical testing. Allele origin: germline. Affected: yes. Not counted in ClinVar's aggregate classification.

Laboratory for Molecular Medicine, Mass General Brigham Personalized Medicine
Classification: Pathogenic for Autosomal recessive limb-girdle muscular dystrophy type 2D. Last evaluated: 2022-03-30. Review status: criteria provided, single submitter. Criteria: ACMG Guidelines, 2015. Collection method: clinical testing. Allele origin: germline. Inheritance: Autosomal recessive inheritance. Not counted in ClinVar's aggregate classification.
Comment: The p.Arg77Cys variant in SGCA is the most common pathogenic variant in limb girdle muscular dystrophy type 2D (LGMD2D) having been reported in >20 homozygous or compound heterozygous individuals with LGMD2D and segregating in at least 4 affected family members (Bueno 1995 PMID: 8528203, Carrie 1997 PMID: 9192266, Boito 2005 PMID: 12746421, Hackman 2005 PMID: 15736300, Tetreault 2011 PMID: 21856579, Fayssoil 2016 PMID: 21856579, Avila De Salman 2007 PMID: 18421900, Walter 2004 PMID: 15298081, Stehlíková 2014 PMID: 25135358, Trabelsi 2008 PMID: 18285821, Duggan 1997 PMID: 9032047, Piccolo 1995 PMID: 7663524, Eymard 1997 PMID: 9153448). This variant has also been reported in ClinVar (Variation ID 9437) and has been identified in 0.18% (47/24978) of Finnish chromosomes and in 0.05% (69/128290) of European chromosomes by gnomAD. Computational prediction tools and conservation analyses suggest that this variant may impact the protein. In vitro functional studies provide some evidence that this variant impacts protein function by trapping the protein in the endoplasmic reticulum where it is ultimately degraded (Bartoli 2008 PMID: 18252745, Soheili 2012 PMID: 22095924, Gastaldello 2008 PMID: 18535179, Draviam 2006 PMID: 16787395). In summary, this variant meets criteria to be classified as pathogenic for autosomal recessive limb girdle muscular dystrophy type 2D. ACMG/AMP criteria applied: PM3_VeryStrong, PS3_Moderate, PP1_Moderate, PP3.

GeneDx
Classification: Pathogenic. Last evaluated: 2021-11-18. Review status: criteria provided, single submitter. Criteria: GeneDx Variant Classification Process June 2021. Collection method: clinical testing. Allele origin: germline. Affected: yes. Not counted in ClinVar's aggregate classification.
Comment: Published functional studies demonstrate a damaging effect: absence of the protein at the cell membrane (Draviam et al., 2006; Bartoli et al., 2008); In silico analysis supports that this missense variant has a deleterious effect on protein structure/function; This variant is associated with the following publications: (PMID: 11391490, 27297959, 27120200, 26934379, 26944168, 31407473, 18421900, 21856579, 22995991, 23989969, 8528203, 7663524, 7657792, 18252745, 22095924, 26916285, 15298081, 24626787, 9436428, 18252746, 9845765, 30919934, 31589614, 32528171, 34106991, 33726816, 15736300, 16787395)

Kariminejad - Najmabadi Pathology & Genetics Center
Classification: Pathogenic for Abnormality of the musculature. Last evaluated: 2021-07-10. Review status: criteria provided, single submitter. Criteria: ACMG Guidelines, 2015. Collection method: clinical testing. Allele origin: germline. Affected: yes. Not counted in ClinVar's aggregate classification.

Institute of Human Genetics Munich, TUM University Hospital
Classification: Pathogenic for Autosomal recessive limb-girdle muscular dystrophy type 2D. Last evaluated: 2020-01-16. Review status: criteria provided, single submitter. Criteria: Classification criteria August 2017. Collection method: clinical testing. Allele origin: germline. Inheritance: Autosomal recessive inheritance. Affected: yes. Observed: 1 compound heterozygote. Not counted in ClinVar's aggregate classification.

Myriad Genetics, Inc.
Classification: Pathogenic for Autosomal recessive limb-girdle muscular dystrophy type 2D. Last evaluated: 2019-11-12. Review status: criteria provided, single submitter. Criteria: Myriad Women's Health Autosomal Recessive and X-Linked Classification Criteria (2019). Collection method: clinical testing. Allele origin: unknown. Not counted in ClinVar's aggregate classification.
Comment: NM_000023.2(SGCA):c.229C>T(R77C) is classified as pathogenic in the context of alpha-sarcoglycanopathy. Sources cited for classification include the following: PMID 15736300, 18252745, 9192266 and 18996010. Classification of NM_000023.2(SGCA):c.229C>T(R77C) is based on the following criteria: This is a well-established pathogenic variant in the literature that has been observed more frequently in patients with clinical diagnoses than in healthy populations. Please note: this variant was assessed in the context of healthy population screening.

Cambridge Genomics Laboratory, East Genomic Laboratory Hub, NHS Genomic Medicine Service
Classification: Pathogenic for Limb-girdle muscular dystrophy. Last evaluated: 2019-10-17. Review status: criteria provided, single submitter. Criteria: ACGS Best Practice Guidelines for Variant Classification in Rare Disease 2020. Collection method: clinical testing. Allele origin: germline. Affected: yes. Observed: 1 variant allele. Not counted in ClinVar's aggregate classification.

Clinical Genetics and Genomics, Karolinska University Hospital
Classification: Pathogenic. Last evaluated: 2018-12-07. Review status: criteria provided, single submitter. Criteria: ACMG Guidelines, 2015. Collection method: clinical testing. Allele origin: germline. Affected: yes. Observed: 2 variant alleles. Not counted in ClinVar's aggregate classification.